The following is an entry in ClinVar:

NM_000481.4(AMT):c.467T>C (p.Met156Thr)

Gene: AMT (aminomethyltransferase; minus strand). Cytogenetic location: 3p21.31.
Variant type: single nucleotide variant.
Coding change: c.467T>C on transcript NM_000481.4 (MANE Select); coding-DNA position 467, T replaced by C.
Protein change: p.Met156Thr; replaces methionine 156 with threonine.
Molecular consequence: missense variant. On other transcripts: non-coding transcript variant (1), intron variant (1).
Genome position (GRCh38, 1-based): chr3:49,420,215, A>G on the plus strand (T>C on the coding strand, the complement: AMT is on the minus strand). VCF-style: chr3-49420215-A-G. GRCh37 (hg19) VCF-style: chr3-49457648-A-G.
Other names: c.299T>C, p.Met100Thr (NM_001164711.2); c.467T>C, p.Met156Thr (NM_001164712.2); c.340-427T>C (NM_001164710.2); short protein forms M156T, M100T.
Identifiers: ClinVar variation 1509291 (VCV001509291.6), dbSNP rs2107933555, ClinGen allele CA352790541.
Genomic context (GRCh38, chr3:49,420,215, plus strand): 5'-GGATACTGCTCTATGAACAAGGAAGACAAGGTGTCTAGAACACAGAGGGGGTATACCTGC[A>G]TGAGGGCCAAATCTTTCTCCCAGCAGCCAGCGTTGGACACCACATACAGGTGGCCCTCAG-3'
Protein context (NP_000472.2, residues 146-166): AGCWEKDLAL[Met156Thr]QDKVRELQNQ

ClinVar aggregate classification (germline): Uncertain significance (1 of 4 stars; one submission).

Conditions:
Glycine encephalopathy. Also called: Nonketotic hyperglycinemia; Non-ketotic hyperglycinemia. Identifiers: Orphanet 407, MedGen C0751748, MONDO:0011612, HP:0008288.

Submission:

Labcorp Genetics (formerly Invitae), Labcorp
Classification: Uncertain significance for Glycine encephalopathy. Last evaluated: 2022-09-13. Review status: criteria provided, single submitter. Criteria: Invitae Variant Classification Sherloc (09022015). Collection method: clinical testing. Allele origin: germline.
Comment: In summary, the available evidence is currently insufficient to determine the role of this variant in disease. Therefore, it has been classified as a Variant of Uncertain Significance. Advanced modeling of protein sequence and biophysical properties (such as structural, functional, and spatial information, amino acid conservation, physicochemical variation, residue mobility, and thermodynamic stability) performed at Invitae indicates that this missense variant is expected to disrupt AMT protein function. ClinVar contains an entry for this variant (Variation ID: 1509291). This variant has not been reported in the literature in individuals affected with AMT-related conditions. This variant is not present in population databases (gnomAD no frequency). This sequence change replaces methionine, which is neutral and non-polar, with threonine, which is neutral and polar, at codon 156 of the AMT protein (p.Met156Thr).